The following is an entry in ClinVar:

ClinVar aggregate classification (germline): Pathogenic. Review status: criteria provided, multiple submitters, no conflicts (2 of 4 stars). 2 submissions from 2 submitters: Pathogenic (2). Last evaluated 2023-11-01.

Allele frequency attached by ClinVar (database versions not stated): gnomAD 0.00001; gnomAD exomes 0.00001; TOPMed 0.00001.

Submissions (2):

CeGaT Center for Human Genetics Tuebingen
Classification: Pathogenic. Last evaluated: 2023-11-01. Review status: criteria provided, single submitter. Criteria: CeGaT Center For Human Genetics Tuebingen Variant Classification Criteria Version 2. Collection method: clinical testing. Allele origin: germline. Affected: yes. Observed: 1 variant allele.
Comment: EARS2: PVS1, PM2, PM3

Labcorp Genetics (formerly Invitae), Labcorp
Classification: Pathogenic. Last evaluated: 2023-07-17. Review status: criteria provided, single submitter. Criteria: Invitae Variant Classification Sherloc (09022015). Collection method: clinical testing. Allele origin: germline.
Comment: For these reasons, this variant has been classified as Pathogenic. This variant disrupts a region of the EARS2 protein in which other variant(s) (p.Arg516Gln) have been determined to be pathogenic (PMID: 22492562; Invitae). This suggests that this is a clinically significant region of the protein, and that variants that disrupt it are likely to be disease-causing. ClinVar contains an entry for this variant (Variation ID: 2137797). This premature translational stop signal has been observed in individual(s) with leukoencephalopathy with thalamus and brainstem involvement and high lactate (PMID: 27117034, 33972171). This variant is not present in population databases (gnomAD no frequency). This sequence change creates a premature translational stop signal (p.Lys471Asnfs*14) in the EARS2 gene. While this is not anticipated to result in nonsense mediated decay, it is expected to disrupt the last 53 amino acid(s) of the EARS2 protein.

Literature cited by the submitters: PubMed 22492562 (cited by Labcorp Genetics (formerly Invitae), Labcorp); PubMed 27117034 (cited by Labcorp Genetics (formerly Invitae), Labcorp); PubMed 33972171 (cited by Labcorp Genetics (formerly Invitae), Labcorp).

NM_001083614.2(EARS2):c.1413del (p.Lys471fs)

Gene: EARS2 (glutamyl-tRNA synthetase 2, mitochondrial; minus strand). Cytogenetic location: 16p12.2.
Variant type: Deletion.
Coding change: c.1413del on transcript NM_001083614.2 (MANE Select); coding-DNA position 1413, one base deleted (G; older notation c.1413delG).
Protein change: p.Lys471fs; shifts the reading frame from lysine 471.
Molecular consequence: frameshift variant. On other transcripts: non-coding transcript variant (1).
Genome position (GRCh38, 1-based): chr16:23,525,319, C deleted on the plus strand (G on the coding strand, the reverse complement: EARS2 is on the minus strand). VCF-style (leftmost placement, unchanged base first): chr16-23525318-GC-G. GRCh37 (hg19) VCF-style: chr16-23536639-GC-G.
Other names: c.1413del, p.Lys471fs (NM_001308211.1); c.1413delG, p.Lys471Asnfs (NM_133451.1); short protein forms K471fs.
Identifiers: ClinVar variation 2137797 (VCV002137797.27), dbSNP rs1458297643, ClinGen allele CA719184469.